The following is an entry in ClinVar:

ClinVar aggregate classification (germline): Uncertain significance (1 of 4 stars; one submission).

Conditions:
Anemia, nonspherocytic hemolytic, due to G6PD deficiency (CNSHA1). Also called: ANEMIA, CONGENITAL, NONSPHEROCYTIC HEMOLYTIC, 1; Hemolytic anemia due to G6PD deficiency; Class I glucose-6-phosphate dehydrogenase deficiency; Favism, susceptibility to. Identifiers: Orphanet 466026, MedGen C2720289, MONDO:0010480, OMIM 300908.

Submission:

Labcorp Genetics (formerly Invitae), Labcorp
Classification: Uncertain significance for Anemia, nonspherocytic hemolytic, due to G6PD deficiency. Last evaluated: 2025-02-19. Review status: criteria provided, single submitter. Criteria: Invitae Variant Classification Sherloc (09022015). Collection method: clinical testing. Allele origin: germline.
Comment: This sequence change falls in intron 5 of the G6PD gene. It does not directly change the encoded amino acid sequence of the G6PD protein. It affects a nucleotide within the consensus splice site. Information on the frequency of this variant in the gnomAD database is not available, as this variant may be reported differently in the database. This variant has not been reported in the literature in individuals affected with G6PD-related conditions. Variants that disrupt the consensus splice site are a relatively common cause of aberrant splicing (PMID: 17576681, 9536098). Experimental studies and prediction algorithms are not available or were not evaluated, and the effect of this variant on mRNA splicing is currently unknown. In summary, the available evidence is currently insufficient to determine the role of this variant in disease. Therefore, it has been classified as a Variant of Uncertain Significance.

Literature cited by the submitters: PubMed 17576681; PubMed 9536098.

NM_001360016.2(G6PD):c.486-4_486-3delinsTT

Gene: G6PD (glucose-6-phosphate dehydrogenase; minus strand). Cytogenetic location: Xq28.
Variant type: Indel.
Coding change: c.486-4_486-3delinsTT on transcript NM_001360016.2 (MANE Select); 4 bases into the intron before coding-DNA position 486 through 3 bases into the intron before coding-DNA position 486, GC replaced by TT.
Molecular consequence: intron variant.
Genome position (GRCh38, 1-based): chrX:154,534,499-154,534,500, GC replaced by AA on the plus strand (GC replaced by TT on the coding strand, the reverse complement: G6PD is on the minus strand). VCF-style: chrX-154534499-GC-AA. GRCh37 (hg19) VCF-style: chrX-153762714-GC-AA.
Other names: c.576-4_576-3delinsTT (NM_000402.4); c.486-4_486-3delinsTT (NM_001042351.3).
Identifiers: ClinVar variation 4713424 (VCV004713424.1).